The following is an entry in ClinVar:

ClinVar aggregate classification (germline): Likely pathogenic (0 of 4 stars; one submission).

Conditions:
Limb-girdle muscular dystrophy (LGMD). Also called: Muscular Dystrophies, Limb-Girdle. Identifiers: Orphanet 263, MedGen C0686353, MeSH D049288, MONDO:0016971, HP:0006785.

Submission:

Department of Neuromuscular Research, National Center of Neurology and Psychiatry
Classification: Likely pathogenic for Limb-girdle muscular dystrophy. Review status: no assertion criteria provided. Collection method: clinical testing. Allele origin: unknown. Inheritance: Autosomal dominant inheritance. Affected: yes. Observed: 1 variant allele, 1 heterozygote.
Comment: PS3, PM2_supporting, PP2, PP3 according to ACMG classification of 2015.

Literature cited by the submitters: PubMed 25630502.

NM_033337.3(CAV3):c.173G>C (p.Trp58Ser)

Genes: CAV3 (caveolin 3; plus strand), OXTR (oxytocin receptor; minus strand). Cytogenetic location: 3p25.3.
Variant type: single nucleotide variant.
Coding change: c.173G>C on transcript NM_033337.3 (MANE Select); coding-DNA position 173, G replaced by C.
Protein change: p.Trp58Ser; replaces tryptophan 58 with serine.
Molecular consequence: missense variant.
Genome position (GRCh38, 1-based): chr3:8,745,584, G>C. VCF-style: chr3-8745584-G-C. GRCh37 (hg19) VCF-style: chr3-8787270-G-C.
Other names: c.173G>C, p.Trp58Ser (NM_001234.5); short protein forms W58S.
Identifiers: ClinVar variation 4850500 (VCV004850500.1).